The following is an entry in ClinVar:

ClinVar aggregate classification (germline): Pathogenic. Review status: criteria provided, multiple submitters, no conflicts (2 of 4 stars). 2 submissions from 2 submitters: Pathogenic (2). Last evaluated 2022-09-12.

Conditions:
Hereditary cancer-predisposing syndrome. Also called: Neoplastic Syndromes, Hereditary; Tumor predisposition; Hereditary Cancer Syndrome; Hereditary neoplastic syndrome. Identifiers: Orphanet 140162, MedGen C0027672, MeSH D009386, MONDO:0015356.
Hereditary breast ovarian cancer syndrome. Also called: BRCA1- and BRCA2-Associated Hereditary Breast and Ovarian Cancer; Hereditary breast and ovarian cancer syndrome; Hereditary breast and ovarian cancer; Hereditary breast and ovarian cancer syndrome (HBOC); Breast and ovarian cancer; Hereditary breast and/or ovarian cancer syndrome. Identifiers: Orphanet 145, MedGen C0677776, MeSH D061325, MONDO:0003582. Disease mechanism: loss of function.

Submissions (2):

Color Diagnostics, LLC DBA Color Health
Classification: Pathogenic for Hereditary cancer-predisposing syndrome. Last evaluated: 2022-09-12. Review status: criteria provided, single submitter. Criteria: ACMG Guidelines, 2015. Collection method: clinical testing. Allele origin: germline.
Comment: This variant deletes 1 nucleotide in exon 14 of the BRCA2 gene, creating a frameshift and premature translation stop signal. This variant is expected to result in an absent or non-functional protein product. To our knowledge, this variant has not been reported in individuals affected with hereditary cancer in the literature. This variant has not been identified in the general population by the Genome Aggregation Database (gnomAD). Loss of BRCA2 function is a known mechanism of disease. Based on the available evidence, this variant is classified as Pathogenic.

Labcorp Genetics (formerly Invitae), Labcorp
Classification: Pathogenic for Hereditary breast ovarian cancer syndrome. Last evaluated: 2020-10-18. Review status: criteria provided, single submitter. Criteria: Invitae Variant Classification Sherloc (09022015). Collection method: clinical testing. Allele origin: germline.
Comment: This sequence change creates a premature translational stop signal (p.Glu2340Asnfs*27) in the BRCA2 gene. It is expected to result in an absent or disrupted protein product. Loss-of-function variants in BRCA2 are known to be pathogenic (PMID: 20104584). This variant is not present in population databases (ExAC no frequency). For these reasons, this variant has been classified as Pathogenic. This variant has not been reported in the literature in individuals with BRCA2-related conditions. ClinVar contains an entry for this variant (Variation ID: 921257).

Literature cited by the submitters: PubMed 20104584 (cited by Labcorp Genetics (formerly Invitae), Labcorp).

NM_000059.4(BRCA2):c.7018del (p.Glu2340fs)

Gene: BRCA2 (BRCA2 DNA repair associated; plus strand). Cytogenetic location: 13q13.1.
Variant type: Deletion.
Coding change: c.7018del on transcript NM_000059.4 (MANE Select); coding-DNA position 7018, one base deleted (G; older notation c.7018delG).
Protein change: p.Glu2340fs; shifts the reading frame from glutamic acid 2340.
Molecular consequence: frameshift variant.
Genome position (GRCh38, 1-based): chr13:32,354,871, G deleted; the last of 2 consecutive G bases (chr13:32,354,870-32,354,871); deleting either gives the same sequence. VCF-style (leftmost placement, unchanged base first): chr13-32354869-AG-A. GRCh37 (hg19) VCF-style: chr13-32929006-AG-A.
Other names: short protein forms E2340fs.
Identifiers: ClinVar variation 921257 (VCV000921257.12), dbSNP rs2072676283, ClinGen allele CA1139663158.
Genomic context (GRCh38, chr13:32,354,869, plus strand): 5'-ATATTTATATGTGTACTAGTCAATAAACTTATATATTTTCTCCCCATTGCAGCACAACTA[AG>A]GAACGTCAAGAGATACAGAATCCAAATTTTACCGCACCTGGTCAAGAATTTCTGTCTAAA-3'